The following is an entry in ClinVar:

ClinVar aggregate classification (germline): Uncertain significance (1 of 4 stars; one submission).

Conditions:
Familial Mediterranean fever (FMF). Also called: POLYSEROSITIS, FAMILIAL PAROXYSMAL; POLYSEROSITIS, RECURRENT; Periodic peritonitis; Benign paroxysmal peritonitis. Identifiers: Orphanet 342, MedGen C0031069, MONDO:0018088, OMIM 249100. Disease mechanism: gain of function.

Submission:

Labcorp Genetics (formerly Invitae), Labcorp
Classification: Uncertain significance for Familial Mediterranean fever. Last evaluated: 2022-06-14. Review status: criteria provided, single submitter. Criteria: Invitae Variant Classification Sherloc (09022015). Collection method: clinical testing. Allele origin: germline.
Comment: This sequence change replaces glutamine, which is neutral and polar, with histidine, which is basic and polar, at codon 381 of the MEFV protein (p.Gln381His). This variant is not present in population databases (gnomAD no frequency). This variant has not been reported in the literature in individuals affected with MEFV-related conditions. Algorithms developed to predict the effect of missense changes on protein structure and function are either unavailable or do not agree on the potential impact of this missense change (SIFT: "Deleterious"; PolyPhen-2: "Probably Damaging"; Align-GVGD: "Class C0"). In summary, the available evidence is currently insufficient to determine the role of this variant in disease. Therefore, it has been classified as a Variant of Uncertain Significance.

NM_000243.3(MEFV):c.1143G>C (p.Gln381His)

Gene: MEFV (MEFV innate immunity regulator, pyrin; minus strand). Cytogenetic location: 16p13.3.
Variant type: single nucleotide variant.
Coding change: c.1143G>C on transcript NM_000243.3 (MANE Select); coding-DNA position 1143, G replaced by C.
Protein change: p.Gln381His; replaces glutamine 381 with histidine.
Molecular consequence: missense variant.
Genome position (GRCh38, 1-based): chr16:3,249,548, C>G on the plus strand (G>C on the coding strand, the complement: MEFV is on the minus strand). VCF-style: chr16-3249548-C-G. GRCh37 (hg19) VCF-style: chr16-3299548-C-G.
Other names: c.510G>C, p.Gln170His (NM_001198536.2); short protein forms Q170H, Q381H.
Identifiers: ClinVar variation 2006490 (VCV002006490.4), dbSNP rs2543149023, ClinGen allele CA394469981.